The following is an entry in ClinVar:

ClinVar aggregate classification (germline): Uncertain significance (1 of 4 stars; one submission).

Conditions:
2-aminoadipic 2-oxoadipic aciduria (AAKAD). Also called: Aminoadipic aciduria; ALPHA-AMINOADIPIC AND ALPHA-KETOADIPIC ACIDURIA. Identifiers: Orphanet 79154, MedGen C1859817, MONDO:0008774, OMIM 204750.

Allele frequency attached by ClinVar (database versions not stated): gnomAD exomes 0.00001.
gnomAD v4.1: 22 of 1,614,198 alleles (0.0014%); highest among the groups gnomAD compares: Non-Finnish European, 0.0018%; no homozygotes.

Submission:

Labcorp Genetics (formerly Invitae), Labcorp
Classification: Uncertain significance for 2-aminoadipic 2-oxoadipic aciduria. Last evaluated: 2025-06-08. Review status: criteria provided, single submitter. Criteria: Invitae Variant Classification Sherloc (09022015). Collection method: clinical testing. Allele origin: germline.
Comment: This sequence change replaces phenylalanine, which is neutral and non-polar, with leucine, which is neutral and non-polar, at codon 665 of the DHTKD1 protein (p.Phe665Leu). This variant is present in population databases (no rsID available, gnomAD 0.0009%). This variant has not been reported in the literature in individuals affected with DHTKD1-related conditions. ClinVar contains an entry for this variant (Variation ID: 2729611). Invitae Evidence Modeling of protein sequence and biophysical properties (such as structural, functional, and spatial information, amino acid conservation, physicochemical variation, residue mobility, and thermodynamic stability) indicates that this missense variant is expected to disrupt DHTKD1 protein function with a positive predictive value of 80%. In summary, the available evidence is currently insufficient to determine the role of this variant in disease. Therefore, it has been classified as a Variant of Uncertain Significance.

NM_018706.7(DHTKD1):c.1995T>G (p.Phe665Leu)

Gene: DHTKD1 (dehydrogenase E1 and transketolase domain containing 1; plus strand). Cytogenetic location: 10p14.
Variant type: single nucleotide variant.
Coding change: c.1995T>G on transcript NM_018706.7 (MANE Select); coding-DNA position 1995, T replaced by G.
Protein change: p.Phe665Leu; replaces phenylalanine 665 with leucine.
Molecular consequence: missense variant.
Genome position (GRCh38, 1-based): chr10:12,106,344, T>G. VCF-style: chr10-12106344-T-G. GRCh37 (hg19) VCF-style: chr10-12148343-T-G.
Other names: short protein forms F665L.
Identifiers: ClinVar variation 2729611 (VCV002729611.3), dbSNP rs1346825143, ClinGen allele CA376011516.